The following is an entry in ClinVar:

ClinVar aggregate classification (germline): Uncertain significance (1 of 4 stars; one submission).

Conditions:
Cardiovascular phenotype. Identifiers: MedGen CN230736.

Submission:

Ambry Genetics
Classification: Uncertain significance for Cardiovascular phenotype. Last evaluated: 2026-03-16. Review status: criteria provided, single submitter. Criteria: Ambry Variant Classification Scheme 2023. Collection method: clinical testing. Allele origin: germline.
Comment: The p.F800L variant (also known as c.2400T>A), located in coding exon 15 of the CBL gene, results from a T to A substitution at nucleotide position 2400. The phenylalanine at codon 800 is replaced by leucine, an amino acid with highly similar properties. This amino acid position is conserved. In addition, this alteration is predicted to be tolerated by in silico analysis. Based on the available evidence, the clinical significance of this variant remains unclear.

NM_005188.4(CBL):c.2400T>A (p.Phe800Leu)

Gene: CBL (Cbl proto-oncogene; plus strand). Cytogenetic location: 11q23.3.
Variant type: single nucleotide variant.
Coding change: c.2400T>A on transcript NM_005188.4 (MANE Select); coding-DNA position 2400, T replaced by A.
Protein change: p.Phe800Leu; replaces phenylalanine 800 with leucine.
Molecular consequence: missense variant.
Genome position (GRCh38, 1-based): chr11:119,298,506, T>A. VCF-style: chr11-119298506-T-A. GRCh37 (hg19) VCF-style: chr11-119169216-T-A.
Other names: short protein forms F800L.
Identifiers: ClinVar variation 4868200 (VCV004868200.1).